The following is an entry in ClinVar:

NM_198525.3(KIF7):c.2907G>C (p.Glu969Asp)

Gene: KIF7 (kinesin family member 7; minus strand). Cytogenetic location: 15q26.1.
Variant type: single nucleotide variant.
Coding change: c.2907G>C on transcript NM_198525.3 (MANE Select); coding-DNA position 2907, G replaced by C.
Protein change: p.Glu969Asp; replaces glutamic acid 969 with aspartic acid.
Molecular consequence: missense variant.
Genome position (GRCh38, 1-based): chr15:89,631,699, C>G on the plus strand (G>C on the coding strand, the complement: KIF7 is on the minus strand). VCF-style: chr15-89631699-C-G. GRCh37 (hg19) VCF-style: chr15-90174930-C-G.
Other names: short protein forms E969D.
Identifiers: ClinVar variation 211301 (VCV000211301.7), dbSNP rs750812056, ClinGen allele CA205279.

ClinVar aggregate classification (germline): Uncertain significance. Review status: criteria provided, multiple submitters, no conflicts (2 of 4 stars). 2 submissions from 2 submitters: Uncertain significance (2). Last evaluated 2017-02-13.

Allele frequency attached by ClinVar (database versions not stated): ExAC below 0.00001; TOPMed below 0.00001; gnomAD 0.00001; gnomAD exomes 0.00001 and 0.00002.
gnomAD v4.1: 26 of 1,553,226 alleles (0.0017%); highest among the groups gnomAD compares: Non-Finnish European, 0.0022%; no homozygotes.

Submissions (2):

GeneDx
Classification: Uncertain significance. Last evaluated: 2017-02-13. Review status: criteria provided, single submitter. Criteria: GeneDx Variant Classification (06012015). Collection method: clinical testing. Allele origin: germline. Affected: yes.
Comment: A variant of uncertain significance has been identified in the KIF7 gene. The E969D variant has not been published as a pathogenic variant, nor has it been reported as a benign variant to our knowledge. The E969D variant is not observed in large population cohorts (Lek et al., 2016; 1000 Genomes Consortium et al., 2015; Exome Variant Server). This substitution occurs at a position that is conserved in mammals. However, the E969D variant is a conservative amino acid substitution, which is not likely to impact secondary protein structure as these residues share similar properties and in silico analysis predicts this variant likely does not alter the protein structure/function. Therefore, based on the currently available information, it is unclear whether this variant is a pathogenic variant or a rare benign variant.

Genetic Services Laboratory, University of Chicago
Classification: Uncertain significance. Last evaluated: 2014-05-01. Review status: criteria provided, single submitter. Criteria: ACMG Guidelines, 2007. Collection method: clinical testing. Allele origin: germline.